The following is an entry in ClinVar:

NM_001130823.3(DNMT1):c.546C>T (p.Thr182=)

Gene: DNMT1 (DNA methyltransferase 1; minus strand). Cytogenetic location: 19p13.2.
Variant type: single nucleotide variant.
Coding change: c.546C>T on transcript NM_001130823.3 (MANE Select); coding-DNA position 546, C replaced by T.
Protein change: p.Thr182=; no amino-acid change (threonine 182 retained).
Molecular consequence: synonymous variant.
Genome position (GRCh38, 1-based): chr19:10,177,315, G>A on the plus strand (C>T on the coding strand, the complement: DNMT1 is on the minus strand). VCF-style: chr19-10177315-G-A. GRCh37 (hg19) VCF-style: chr19-10287991-G-A.
Other names: c.498C>T, p.Thr166= (NM_001318730.2, NM_001379.4); c.183C>T, p.Thr61= (NM_001318731.2).
Identifiers: ClinVar variation 4822448 (VCV004822448.4).

ClinVar aggregate classification (germline): Likely benign (1 of 4 stars; one submission).

Submission:

CeGaT Center for Human Genetics Tuebingen
Classification: Likely benign. Last evaluated: 2026-02-01. Review status: criteria provided, single submitter. Criteria: CeGaT Center For Human Genetics Tuebingen Variant Classification Criteria Version 2. Collection method: clinical testing. Allele origin: germline. Affected: yes. Observed: 1 variant allele.
Comment: DNMT1: PM2:Supporting, BP4, BP7